The following is an entry in ClinVar:

NC_000006.12:g.(?_64617408)_(64617543_?)del

Gene: EYS (eyes shut homolog; minus strand). Cytogenetic location: 6q12.
Variant type: Deletion.
Identifiers: ClinVar variation 644814 (VCV000644814.1).

ClinVar aggregate classification (germline): Pathogenic (1 of 4 stars; one submission).

Submission:

Labcorp Genetics (formerly Invitae), Labcorp
Classification: Pathogenic. Last evaluated: 2018-12-24. Review status: criteria provided, single submitter. Criteria: Invitae Variant Classification Sherloc (09022015). Collection method: clinical testing. Allele origin: germline.
Comment: This variant is an out-of-frame deletion of the genomic region encompassing exon 24 of the EYS gene. This is expected to create a premature translational stop signal and result in an absent or disrupted protein product. This variant has not been reported in the literature in individuals with EYS-related conditions. Loss-of-function variants in EYS are known to be pathogenic (PMID: 18836446, 20333770). For these reasons, this variant has been classified as Pathogenic.